The following is an entry in ClinVar:

ClinVar aggregate classification (germline): Uncertain significance. Review status: criteria provided, multiple submitters, no conflicts (2 of 4 stars). 3 submissions from 3 submitters: Uncertain significance (2). 1 of the submissions does not count toward it. Last evaluated 2024-12-02.

Conditions:
Congenital microvillous atrophy (DIAR2). Also called: CONGENITAL FAMILIAL PROTRACTED DIARRHEA WITH ENTEROCYTE BRUSH-BORDER ABNORMALITIES; DAVIDSON DISEASE; MICROVILLUS ATROPHY, CONGENITAL; Microvillus inclusion disease; Diarrhea 2 with microvillus atrophy, with or without cholestasis. Identifiers: Orphanet 2290, MedGen C0341306, MONDO:0009635, OMIM 251850.
MYO5B-related disorder. Also called: MYO5B-related condition.

Allele frequency attached by ClinVar (database versions not stated): gnomAD 0.00004 and 0.00006; gnomAD exomes 0.00005 and 0.00014; TOPMed 0.00006; ExAC 0.00014; 1000 Genomes Project 30x 0.00047; 1000 Genomes Project 0.00060.
gnomAD v4.1: 93 of 1,614,154 alleles (0.0058%); highest among the groups gnomAD compares: East Asian, 0.076%; no homozygotes.

Submissions (3):

Labcorp Genetics (formerly Invitae), Labcorp
Classification: Uncertain significance. Last evaluated: 2024-12-02. Review status: criteria provided, single submitter. Criteria: Invitae Variant Classification Sherloc (09022015). Collection method: clinical testing. Allele origin: germline.
Comment: This sequence change replaces arginine, which is basic and polar, with tryptophan, which is neutral and slightly polar, at codon 961 of the MYO5B protein (p.Arg961Trp). This variant is present in population databases (rs556141097, gnomAD 0.2%). This variant has not been reported in the literature in individuals affected with MYO5B-related conditions. ClinVar contains an entry for this variant (Variation ID: 892478). Invitae Evidence Modeling of protein sequence and biophysical properties (such as structural, functional, and spatial information, amino acid conservation, physicochemical variation, residue mobility, and thermodynamic stability) indicates that this missense variant is not expected to disrupt MYO5B protein function with a negative predictive value of 80%. In summary, the available evidence is currently insufficient to determine the role of this variant in disease. Therefore, it has been classified as a Variant of Uncertain Significance.

Illumina Laboratory Services, Illumina
Classification: Uncertain significance for Congenital microvillous atrophy. Last evaluated: 2018-01-12. Review status: criteria provided, single submitter. Criteria: ICSL Variant Classification Criteria 13 December 2019. Collection method: clinical testing. Allele origin: germline.

PreventionGenetics, part of Exact Sciences
Classification: Likely benign for MYO5B-related condition. Last evaluated: 2023-09-27. Review status: no assertion criteria provided. Collection method: clinical testing. Allele origin: germline. Not counted in ClinVar's aggregate classification.
Comment: This variant is classified as likely benign based on ACMG/AMP sequence variant interpretation guidelines (Richards et al. 2015 PMID: 25741868, with internal and published modifications).

NM_001080467.3(MYO5B):c.2881C>T (p.Arg961Trp)

Gene: MYO5B (myosin VB; minus strand). Cytogenetic location: 18q21.1.
Variant type: single nucleotide variant.
Coding change: c.2881C>T on transcript NM_001080467.3 (MANE Select); coding-DNA position 2881, C replaced by T.
Protein change: p.Arg961Trp; replaces arginine 961 with tryptophan.
Molecular consequence: missense variant.
Genome position (GRCh38, 1-based): chr18:49,895,105, G>A on the plus strand (C>T on the coding strand, the complement: MYO5B is on the minus strand). VCF-style: chr18-49895105-G-A. GRCh37 (hg19) VCF-style: chr18-47421475-G-A.
Other names: short protein forms R961W.
Identifiers: ClinVar variation 892478 (VCV000892478.9), dbSNP rs556141097, ClinGen allele CA8960906.
Genomic context (GRCh38, chr18:49,895,105, plus strand): 5'-GCCTGAGGCTGGTGTCCTCACCTGGGCTCTGCTGGTAGTGCACCAGCTCCTTCTTCAGCC[G>A]CTCTACCTCCATGGTGTATGTTGAGGTGGTCACGGACAACTGCTCTGAAAGTGTCTTGAA-3'
Protein context (NP_001073936.1, residues 951-971): TTSTYTMEVE[Arg961Trp]LKKELVHYQQ